The following is an entry in ClinVar:

ClinVar aggregate classification (germline): Uncertain significance (1 of 4 stars; one submission).

Allele frequency attached by ClinVar (database versions not stated): gnomAD exomes below 0.00001.
gnomAD v4.1: 5 of 1,614,046 alleles (0.00031%); highest among the groups gnomAD compares: Admixed American, 0.0033%; no homozygotes.

Submission:

Labcorp Genetics (formerly Invitae), Labcorp
Classification: Uncertain significance. Last evaluated: 2023-05-31. Review status: criteria provided, single submitter. Criteria: Invitae Variant Classification Sherloc (09022015). Collection method: clinical testing. Allele origin: germline.
Comment: This sequence change replaces threonine, which is neutral and polar, with alanine, which is neutral and non-polar, at codon 613 of the USH2A protein (p.Thr613Ala). This missense change has been observed in individual(s) with retinitis pigmentosa (PMID: 30902645). This variant is present in population databases (no rsID available, gnomAD 0.003%). Advanced modeling of protein sequence and biophysical properties (such as structural, functional, and spatial information, amino acid conservation, physicochemical variation, residue mobility, and thermodynamic stability) performed at Invitae indicates that this missense variant is not expected to disrupt USH2A protein function. In summary, the available evidence is currently insufficient to determine the role of this variant in disease. Therefore, it has been classified as a Variant of Uncertain Significance.

Literature cited by the submitters: PubMed 30902645.

NM_206933.4(USH2A):c.1837A>G (p.Thr613Ala)

Gene: USH2A (usherin; minus strand). Cytogenetic location: 1q41.
Variant type: single nucleotide variant.
Coding change: c.1837A>G on transcript NM_206933.4 (MANE Select); coding-DNA position 1837, A replaced by G.
Protein change: p.Thr613Ala; replaces threonine 613 with alanine.
Molecular consequence: missense variant.
Genome position (GRCh38, 1-based): chr1:216,292,178, T>C on the plus strand (A>G on the coding strand, the complement: USH2A is on the minus strand). VCF-style: chr1-216292178-T-C. GRCh37 (hg19) VCF-style: chr1-216465520-T-C.
Other names: c.1837A>G, p.Thr613Ala (NM_007123.6); short protein forms T613A.
Identifiers: ClinVar variation 2913851 (VCV002913851.3), dbSNP rs1305679874, ClinGen allele CA344902989.
Genomic context (GRCh38, chr1:216,292,178, plus strand): 5'-TTGTAGATAGAAGCACACAGGCCTCCAAACCAACTCAGGAATTTATTTGCTACTTACCTG[T>C]AGTGTTATGCTCACAATCATCACAAACTCCTCCTCCCCCTCTGAAGTGCTCAAAAGGAAA-3'
Protein context (NP_996816.3, residues 603-623): GVCDDCEHNT[Thr613Ala]GRNCELCKDY